The following is an entry in ClinVar:

NM_000053.4(ATP7B):c.2129G>T (p.Gly710Val)

Gene: ATP7B (ATPase copper transporting beta; minus strand). Cytogenetic location: 13q14.3.
Variant type: single nucleotide variant.
Coding change: c.2129G>T on transcript NM_000053.4 (MANE Select); coding-DNA position 2129, G replaced by T.
Protein change: p.Gly710Val; replaces glycine 710 with valine.
Molecular consequence: missense variant. On other transcripts: intron variant (20).
Genome position (GRCh38, 1-based): chr13:51,958,537, C>A on the plus strand (G>T on the coding strand, the complement: ATP7B is on the minus strand). VCF-style: chr13-51958537-C-A. GRCh37 (hg19) VCF-style: chr13-52532673-C-A.
Other names: c.1796G>T, p.Gly599Val (NM_001243182.2); c.1877G>T, p.Gly626Val (NM_001330579.2, NM_001406531.1, NM_001406532.1 and 1 more transcripts); c.2129G>T, p.Gly710Val (NM_001406511.1, NM_001406512.1, NM_001406513.1 and 7 more transcripts); c.2096G>T, p.Gly699Val (NM_001406514.1); c.2033G>T, p.Gly678Val (NM_001406517.1, NM_001406518.1); c.1700G>T, p.Gly567Val (NM_001406539.1); c.1781G>T, p.Gly594Val (NM_001406543.1); c.1870-930G>T (NM_001406541.1, NM_001005918.3, NM_001406546.1 and 1 more transcripts); and 8 more; short protein forms G567V, G678V, G699V, G710V, G594V, G599V, G626V.
Identifiers: ClinVar variation 5004936 (VCV005004936.1).

ClinVar aggregate classification (germline): Uncertain significance (1 of 4 stars; one submission).

Conditions:
Wilson disease (WND). Also called: Wilson's disease. Identifiers: Orphanet 905, MedGen C0019202, MONDO:0010200, OMIM 277900. Disease mechanism: loss of function.

gnomAD v4.1: 1 of 1,614,072 alleles (0.000062%); highest among the groups gnomAD compares: Non-Finnish European, 0.000085%; no homozygotes.

Submission:

Myriad Genetics, Inc.
Classification: Uncertain significance for Wilson disease. Last evaluated: 2026-07-15. Review status: criteria provided, single submitter. Criteria: Myriad Autosomal Dominant, Autosomal Recessive and X-Linked Classification Criteria (2023). Collection method: clinical testing. Allele origin: unknown.
Comment: NM_000053.3(ATP7B):c.2129G>T(G710V) is a missense variant classified as a variant of uncertain significance in the context of Wilson disease. G710V has been observed in a case with relevant disease (PMID: 16088907). Relevant functional assessments of this variant are not available in the literature. G710V has not been observed in referenced population frequency databases. In summary, there is insufficient evidence to classify NM_000053.3(ATP7B):c.2129G>T(G710V) as pathogenic or benign. Please note: this variant was assessed in the context of healthy population screening.

Literature cited by the submitters: PubMed 16088907.